The following is an entry in ClinVar:

ClinVar aggregate classification (germline): Uncertain significance (1 of 4 stars; one submission).

Conditions:
JAK2-related disorder. Also called: JAK2-related condition.

Submission:

PreventionGenetics, part of Exact Sciences
Classification: Uncertain significance for JAK2-related condition. Last evaluated: 2025-01-04. Review status: criteria provided, single submitter. Criteria: ACMG Guidelines, 2015. Collection method: clinical testing. Allele origin: germline.
Comment: The JAK2 c.469-1G>A variant is predicted to disrupt the AG splice acceptor site and interfere with normal splicing. To our knowledge, this variant has not been reported in the literature or in a large population database (gnomAD), indicating this variant is rare. At this time, the clinical significance of this variant is uncertain due to the absence of conclusive functional and genetic evidence.

NM_004972.4(JAK2):c.469-1G>A

Genes: INSL6 (insulin like 6; minus strand), JAK2 (Janus kinase 2; plus strand). Cytogenetic location: 9p24.1.
Variant type: single nucleotide variant.
Coding change: c.469-1G>A on transcript NM_004972.4 (MANE Select); the canonical splice acceptor site of the intron before coding-DNA position 469, G replaced by A.
Molecular consequence: splice acceptor variant.
Genome position (GRCh38, 1-based): chr9:5,050,685, G>A. VCF-style: chr9-5050685-G-A. GRCh37 (hg19) VCF-style: chr9-5050685-G-A.
Other names: c.469-1G>A (NM_001322194.2, NM_001322195.2, NM_001322196.2); c.-652-1G>A (NM_001322198.2, NM_001322199.2); c.22-1G>A (NM_001322204.2).
Identifiers: ClinVar variation 4996855 (VCV004996855.1).